The following is an entry in ClinVar:

ClinVar aggregate classification (germline): Likely benign. Review status: criteria provided, multiple submitters, no conflicts (2 of 4 stars). 5 submissions from 5 submitters: Likely benign (4). 1 of the submissions does not count toward it. Last evaluated 2025-12-21.

Conditions:
CACNA1E-related disorder. Also called: CACNA1E-related condition.
Developmental and epileptic encephalopathy, 69. Also called: EPILEPTIC ENCEPHALOPATHY, EARLY INFANTILE, 69. Identifiers: MedGen C4748988, MONDO:0032657, OMIM 618285.

Allele frequency attached by ClinVar (database versions not stated): ExAC 0.00011; ESP Exome Variant Server 0.00016; 1000 Genomes Project 30x 0.00031; 1000 Genomes Project 0.00040.
gnomAD v4.1: 104 of 1,613,640 alleles (0.0064%); highest among the groups gnomAD compares: East Asian, 0.094%; no homozygotes.

Submissions (5):

Labcorp Genetics (formerly Invitae), Labcorp
Classification: Likely benign. Last evaluated: 2025-12-21. Review status: criteria provided, single submitter. Criteria: Invitae Variant Classification Sherloc (09022015). Collection method: clinical testing. Allele origin: germline.

Genome-Nilou Lab
Classification: Likely benign for Developmental and epileptic encephalopathy, 69. Last evaluated: 2023-04-11. Review status: criteria provided, single submitter. Criteria: ACMG Guidelines, 2015. Collection method: clinical testing. Allele origin: germline. Affected: no.

CeGaT Center for Human Genetics Tuebingen
Classification: Likely benign. Last evaluated: 2022-05-01. Review status: criteria provided, single submitter. Criteria: CeGaT Center For Human Genetics Tuebingen Variant Classification Criteria Version 2. Collection method: clinical testing. Allele origin: germline. Affected: yes. Observed: 1 variant allele.
Comment: CACNA1E: BP4, BP7

GeneDx
Classification: Likely benign. Last evaluated: 2021-10-21. Review status: criteria provided, single submitter. Criteria: GeneDx Variant Classification Process June 2021. Collection method: clinical testing. Allele origin: germline. Affected: yes.
Comment: See Variant Classification Assertion Criteria.

PreventionGenetics, part of Exact Sciences
Classification: Likely benign for CACNA1E-related condition. Last evaluated: 2024-03-13. Review status: no assertion criteria provided. Collection method: clinical testing. Allele origin: germline. Not counted in ClinVar's aggregate classification.
Comment: This variant is classified as likely benign based on ACMG/AMP sequence variant interpretation guidelines (Richards et al. 2015 PMID: 25741868, with internal and published modifications).

NM_001205293.3(CACNA1E):c.4101C>T (p.Thr1367=)

Gene: CACNA1E (calcium voltage-gated channel subunit alpha1 E; plus strand). Cytogenetic location: 1q25.3.
Variant type: single nucleotide variant.
Coding change: c.4101C>T on transcript NM_001205293.3 (MANE Select); coding-DNA position 4101, C replaced by T.
Protein change: p.Thr1367=; no amino-acid change (threonine 1367 retained).
Molecular consequence: synonymous variant.
Genome position (GRCh38, 1-based): chr1:181,756,067, C>T. VCF-style: chr1-181756067-C-T. GRCh37 (hg19) VCF-style: chr1-181725203-C-T.
Other names: c.4101C>T, p.Thr1367= (NM_000721.4); c.4044C>T, p.Thr1348= (NM_001205294.2).
Identifiers: ClinVar variation 1578624 (VCV001578624.34), dbSNP rs147656925, ClinGen allele CA1275769.
Genomic context (GRCh38, chr1:181,756,067, plus strand): 5'-ATGGAAGCGCCATGAATTCCACTACGACAACATTATCTGGGCCCTGCTGACCCTCTTCAC[C>T]GTCTCCACAGGGGAAGGATGGCCTCAGTGAGTGATTGAGTTGTCATGCTTGTCTGTGGCT-3'
Protein context (NP_001192222.1, residues 1357-1377): NIIWALLTLF[Thr1367=]VSTGEGWPQV